The following is an entry in ClinVar:

ClinVar aggregate classification (germline): Pathogenic (1 of 4 stars; one submission).

Conditions:
Intellectual disability, autosomal recessive 53 (NEDHSCA). Also called: GLYCOSYLPHOSPHATIDYLINOSITOL BIOSYNTHESIS DEFECT 13; Mental retardation, autosomal recessive 53; NEURODEVELOPMENTAL DISORDER WITH OR WITHOUT HYPOTONIA, SEIZURES, AND CEREBELLAR ATROPHY. Identifiers: Orphanet 488635, MedGen C4310794, MONDO:0014832, OMIM 616917.

Submission:

Labcorp Genetics (formerly Invitae), Labcorp
Classification: Pathogenic for Intellectual disability, autosomal recessive 53. Last evaluated: 2022-07-06. Review status: criteria provided, single submitter. Criteria: Invitae Variant Classification Sherloc (09022015). Collection method: clinical testing. Allele origin: germline.
Comment: This sequence change creates a premature translational stop signal (p.Glu256Aspfs*12) in the PIGG gene. It is expected to result in an absent or disrupted protein product. Loss-of-function variants in PIGG are known to be pathogenic (PMID: 26996948, 28581210, 28771251). This variant is not present in population databases (gnomAD no frequency). This variant has not been reported in the literature in individuals affected with PIGG-related conditions. Algorithms developed to predict the effect of sequence changes on RNA splicing suggest that this variant may disrupt the consensus splice site. For these reasons, this variant has been classified as Pathogenic.

Literature cited by the submitters: PubMed 26996948; PubMed 28581210; PubMed 28771251.

NM_001127178.3(PIGG):c.768_769del (p.Glu256fs)

Gene: PIGG (phosphatidylinositol glycan anchor biosynthesis class G (EMM blood group); plus strand). Cytogenetic location: 4p16.3.
Variant type: Microsatellite.
Coding change: c.768_769del on transcript NM_001127178.3 (MANE Select); coding-DNA positions 768 to 769, 2 bases deleted (GA; older notation c.768_769delGA).
Protein change: p.Glu256fs; shifts the reading frame from glutamic acid 256.
Molecular consequence: frameshift variant. On other transcripts: 5 prime UTR variant (3), non-coding transcript variant (10), intron variant (1).
Genome position (GRCh38, 1-based): chr4:508,837-508,838, GA deleted; deleting any 2 consecutive bases within chr4:508,829-508,838 gives the same sequence; the c. name uses the placement nearest the transcript's 3' end. VCF-style (leftmost placement, unchanged base first): chr4-508828-GGA-G. GRCh37 (hg19) VCF-style: chr4-502617-GGA-G.
Other names: c.501_502del, p.Glu167fs (NM_001289051.2, NM_001289053.2, NM_001289057.2 and 2 more transcripts); c.369_370del, p.Glu123fs (NM_001289052.2); c.402_403del, p.Glu134fs (NM_001289055.2); c.768_769del, p.Glu256fs (NM_001345989.2, NM_017733.5); c.-866GA[4] (NM_001345990.2); c.-728GA[4] (NM_001345991.2); c.-453GA[4] (NM_001345994.2); c.-129+1236GA[4] (NM_001345988.2); short protein forms E134fs, E167fs, E256fs, E123fs.
Identifiers: ClinVar variation 2014469 (VCV002014469.4), dbSNP rs1229339759, ClinGen allele CA2580616041.